The following is an entry in ClinVar:

NM_005618.4(DLL1):c.961A>T (p.Thr321Ser)

Gene: DLL1 (delta like canonical Notch ligand 1; minus strand). Cytogenetic location: 6q27.
Variant type: single nucleotide variant.
Coding change: c.961A>T on transcript NM_005618.4 (MANE Select); coding-DNA position 961, A replaced by T.
Protein change: p.Thr321Ser; replaces threonine 321 with serine.
Molecular consequence: missense variant.
Genome position (GRCh38, 1-based): chr6:170,285,325, T>A on the plus strand (A>T on the coding strand, the complement: DLL1 is on the minus strand). VCF-style: chr6-170285325-T-A. GRCh37 (hg19) VCF-style: chr6-170594413-T-A.
Other names: c.961A>T (NM_005618.3); short protein forms T321S.
Identifiers: ClinVar variation 2081075 (VCV002081075.6), dbSNP rs774015430, ClinGen allele CA4106972.

ClinVar aggregate classification (germline): Conflicting classifications of pathogenicity. Review status: criteria provided, conflicting classifications (1 of 4 stars). 2 submissions from 2 submitters: Uncertain significance (1); Likely benign (1). Last evaluated 2023-02-15.

Conditions:
Inborn genetic diseases. Identifiers: MedGen C0950123, MeSH D030342.

Allele frequency attached by ClinVar (database versions not stated): gnomAD 0.00001; gnomAD exomes 0.00003; ExAC 0.00005.
gnomAD v4.1: 43 of 1,614,054 alleles (0.0027%); highest among the groups gnomAD compares: South Asian, 0.031%; 1 homozygote.

Submissions (2):

Ambry Genetics
Classification: Likely benign for Inborn genetic diseases. Last evaluated: 2023-02-15. Review status: criteria provided, single submitter. Criteria: Ambry Variant Classification Scheme 2023. Collection method: clinical testing. Allele origin: germline.

Labcorp Genetics (formerly Invitae), Labcorp
Classification: Uncertain significance. Last evaluated: 2022-04-12. Review status: criteria provided, single submitter. Criteria: Invitae Variant Classification Sherloc (09022015). Collection method: clinical testing. Allele origin: germline.
Comment: This sequence change replaces threonine, which is neutral and polar, with serine, which is neutral and polar, at codon 321 of the DLL1 protein (p.Thr321Ser). This variant is present in population databases (rs774015430, gnomAD 0.03%). This variant has not been reported in the literature in individuals affected with DLL1-related conditions. Algorithms developed to predict the effect of missense changes on protein structure and function output the following: SIFT: "Tolerated"; PolyPhen-2: "Benign"; Align-GVGD: "Class C0". The serine amino acid residue is found in multiple mammalian species, which suggests that this missense change does not adversely affect protein function. In summary, the available evidence is currently insufficient to determine the role of this variant in disease. Therefore, it has been classified as a Variant of Uncertain Significance.